The following is an entry in ClinVar:

NM_007194.4(CHEK2):c.1453T>A (p.Trp485Arg)

Gene: CHEK2 (checkpoint kinase 2; minus strand). Cytogenetic location: 22q12.1.
Variant type: single nucleotide variant.
Coding change: c.1453T>A on transcript NM_007194.4 (MANE Select); coding-DNA position 1453, T replaced by A.
Protein change: p.Trp485Arg; replaces tryptophan 485 with arginine.
Molecular consequence: missense variant.
Genome position (GRCh38, 1-based): chr22:28,694,040, A>T on the plus strand (T>A on the coding strand, the complement: CHEK2 is on the minus strand). VCF-style: chr22-28694040-A-T. GRCh37 (hg19) VCF-style: chr22-29090028-A-T.
Other names: c.1582T>A, p.Trp528Arg (NM_001005735.3); c.790T>A, p.Trp264Arg (NM_001257387.3); c.1252T>A, p.Trp418Arg (NM_001349956.3); c.1366T>A, p.Trp456Arg (NM_145862.3); short protein forms W418R, W456R, W264R, W528R, W485R.
Identifiers: ClinVar variation 834636 (VCV000834636.13), dbSNP rs786202244, ClinGen allele CA411093948.

ClinVar aggregate classification (germline): Uncertain significance. Review status: criteria provided, multiple submitters, no conflicts (2 of 4 stars). 2 submissions from 2 submitters: Uncertain significance (2). Last evaluated 2021-05-25.

Conditions:
Hereditary cancer-predisposing syndrome. Also called: Hereditary neoplastic syndrome; Neoplastic Syndromes, Hereditary; Tumor predisposition; Hereditary Cancer Syndrome. Identifiers: Orphanet 140162, MedGen C0027672, MeSH D009386, MONDO:0015356.
Familial cancer of breast. Also called: hereditary breast carcinoma; BREAST CANCER, FAMILIAL; Hereditary breast cancer. Identifiers: Orphanet 227535, MedGen C0346153, MONDO:0016419, OMIM 114480. Disease mechanism: loss of function.

Allele frequency attached by ClinVar (database versions not stated): gnomAD exomes below 0.00001.
gnomAD v4.1: 1 of 1,594,170 alleles (0.000063%); highest among the groups gnomAD compares: Non-Finnish European, 0.000085%; no homozygotes.

Submissions (2):

Ambry Genetics
Classification: Uncertain significance for Hereditary cancer-predisposing syndrome. Last evaluated: 2021-05-25. Review status: criteria provided, single submitter. Criteria: Ambry Variant Classification Scheme 2023. Collection method: clinical testing. Allele origin: germline.
Comment: The p.W485R variant (also known as c.1453T>A), located in coding exon 12 of the CHEK2 gene, results from a T to A substitution at nucleotide position 1453. The tryptophan at codon 485 is replaced by arginine, an amino acid with dissimilar properties. This amino acid position is highly conserved in available vertebrate species. In addition, this alteration is predicted to be deleterious by in silico analysis. Since supporting evidence is limited at this time, the clinical significance of this alteration remains unclear.

Labcorp Genetics (formerly Invitae), Labcorp
Classification: Uncertain significance for Familial cancer of breast. Last evaluated: 2019-12-21. Review status: criteria provided, single submitter. Criteria: Invitae Variant Classification Sherloc (09022015). Collection method: clinical testing. Allele origin: germline.
Comment: In summary, the available evidence is currently insufficient to determine the role of this variant in disease. Therefore, it has been classified as a Variant of Uncertain Significance. Algorithms developed to predict the effect of missense changes on protein structure and function are either unavailable or do not agree on the potential impact of this missense change (SIFT: "Deleterious"; PolyPhen-2: "Probably Damaging"; Align-GVGD: "Class C0"). This variant has not been reported in the literature in individuals with CHEK2-related conditions. This variant is not present in population databases (ExAC no frequency). This sequence change replaces tryptophan with arginine at codon 485 of the CHEK2 protein (p.Trp485Arg). The tryptophan residue is highly conserved and there is a moderate physicochemical difference between tryptophan and arginine.